The following is an entry in ClinVar:

ClinVar aggregate classification (germline): Uncertain significance (1 of 4 stars; one submission).

Submission:

Labcorp Genetics (formerly Invitae), Labcorp
Classification: Uncertain significance. Last evaluated: 2022-08-22. Review status: criteria provided, single submitter. Criteria: Invitae Variant Classification Sherloc (09022015). Collection method: clinical testing. Allele origin: germline.
Comment: In summary, the available evidence is currently insufficient to determine the role of this variant in disease. Therefore, it has been classified as a Variant of Uncertain Significance. Algorithms developed to predict the effect of missense changes on protein structure and function output the following: SIFT: "Tolerated"; PolyPhen-2: "Benign"; Align-GVGD: "Class C0". The serine amino acid residue is found in multiple mammalian species, which suggests that this missense change does not adversely affect protein function. ClinVar contains an entry for this variant (Variation ID: 1501260). This variant has not been reported in the literature in individuals affected with KL-related conditions. This variant is not present in population databases (gnomAD no frequency). This sequence change replaces glycine, which is neutral and non-polar, with serine, which is neutral and polar, at codon 184 of the KL protein (p.Gly184Ser).

NM_004795.4(KL):c.550G>A (p.Gly184Ser)

Gene: KL (klotho; plus strand). Cytogenetic location: 13q13.1.
Variant type: single nucleotide variant.
Coding change: c.550G>A on transcript NM_004795.4 (MANE Select); coding-DNA position 550, G replaced by A.
Protein change: p.Gly184Ser; replaces glycine 184 with serine.
Molecular consequence: missense variant.
Genome position (GRCh38, 1-based): chr13:33,016,990, G>A. VCF-style: chr13-33016990-G-A. GRCh37 (hg19) VCF-style: chr13-33591128-G-A.
Other names: short protein forms G184S.
Identifiers: ClinVar variation 1501260 (VCV001501260.9), dbSNP rs2138183489, ClinGen allele CA387781851.
Genomic context (GRCh38, chr13:33,016,990, plus strand): 5'-GTCCCCAACCGCGAGGGGCTGCGCTACTACCGGCGCCTGCTGGAGCGGCTGCGGGAGCTG[G>A]GCGTGCAGCCCGTGGTCACCCTGTACCACTGGGACCTGCCCCAGCGCCTGCAGGACGCCT-3'
Protein context (NP_004786.2, residues 174-194): RRLLERLREL[Gly184Ser]VQPVVTLYHW